The following is an entry in ClinVar:

ClinVar aggregate classification (germline): Uncertain significance (1 of 4 stars; one submission).

Allele frequency attached by ClinVar (database versions not stated): gnomAD exomes below 0.00001 and 0.00001.
gnomAD v4.1: 4 of 1,600,950 alleles (0.00025%); highest among the groups gnomAD compares: Admixed American, 0.0034%; no homozygotes.

Submission:

Women's Health and Genetics/Laboratory Corporation of America, LabCorp
Classification: Uncertain significance. Last evaluated: 2022-06-20. Review status: criteria provided, single submitter. Criteria: LabCorp Variant Classification Summary - May 2015. Collection method: clinical testing. Allele origin: germline.
Comment: Variant summary: TTN c.89497G>C (p.Gly29833Arg) results in a non-conservative amino acid change located in the A-band region of the encoded protein sequence. Four of four in-silico tools predict a damaging effect of the variant on protein function. The variant allele was found at a frequency of 1.2e-05 in 243380 control chromosomes (gnomAD). The available data on variant occurrences in the general population are insufficient to allow any conclusion about variant significance. To our knowledge, no occurrence of c.89497G>C in individuals affected with Limb-Girdle Muscular Dystrophy, Type 2J and no experimental evidence demonstrating its impact on protein function have been reported. No clinical diagnostic laboratories have submitted clinical-significance assessments for this variant to ClinVar after 2014. Based on the evidence outlined above, the variant was classified as uncertain significance.

NM_001267550.2(TTN):c.97201G>C (p.Gly32401Arg)

Genes: TTN (titin; minus strand), TTN-AS1 (TTN antisense RNA 1; plus strand). Cytogenetic location: 2q31.2.
Variant type: single nucleotide variant.
Coding change: c.97201G>C on transcript NM_001267550.2 (MANE Select); coding-DNA position 97201, G replaced by C.
Protein change: p.Gly32401Arg; replaces glycine 32401 with arginine.
Molecular consequence: missense variant.
Genome position (GRCh38, 1-based): chr2:178,542,555, C>G on the plus strand (G>C on the coding strand, the complement: TTN is on the minus strand). VCF-style: chr2-178542555-C-G. GRCh37 (hg19) VCF-style: chr2-179407282-C-G.
Other names: c.92278G>C, p.Gly30760Arg (NM_001256850.1); c.70006G>C, p.Gly23336Arg (NM_003319.4); c.89497G>C, p.Gly29833Arg (NM_133378.4); c.70381G>C, p.Gly23461Arg (NM_133432.3); c.70582G>C, p.Gly23528Arg (NM_133437.4); short protein forms G23336R, G23461R, G23528R, G29833R, G30760R, G32401R.
Identifiers: ClinVar variation 1698594 (VCV001698594.1), dbSNP rs1371025709, ClinGen allele CA349441611.
Genomic context (GRCh38, chr2:178,542,555, plus strand): 5'-AGGAAATGGTAATTGATGTAGCATCAATTTCATCAATCTTAATAGGTCCTGTTGGTGGAC[C>G]AGGCTTGTCTATGAAAGAGAAGAAATACAGGAAATTAATTTTTACTTCAAATCAAAATTG-3'
Protein context (NP_001254479.2, residues 32391-32411): TIKVIILDKP[Gly32401Arg]PPTGPIKIDE